The following is an entry in ClinVar:

NM_018100.4(EFHC1):c.879C>G (p.Asn293Lys)

Gene: EFHC1 (EF-hand domain containing 1; plus strand). Cytogenetic location: 6p12.2.
Variant type: single nucleotide variant.
Coding change: c.879C>G on transcript NM_018100.4 (MANE Select); coding-DNA position 879, C replaced by G.
Protein change: p.Asn293Lys; replaces asparagine 293 with lysine.
Molecular consequence: missense variant. On other transcripts: non-coding transcript variant (1).
Genome position (GRCh38, 1-based): chr6:52,454,250, C>G. VCF-style: chr6-52454250-C-G. GRCh37 (hg19) VCF-style: chr6-52319048-C-G.
Other names: c.822C>G, p.Asn274Lys (NM_001172420.2); short protein forms N293K, N274K.
Identifiers: ClinVar variation 576175 (VCV000576175.12), dbSNP rs1562453330, ClinGen allele CA364452887.
Genomic context (GRCh38, chr6:52,454,250, plus strand): 5'-GGAAATTCGAGAGGTCCACGAACGGAATGATGGGAGAGATCCTTTCCCACTCCTAATGAA[C>G]CGCCAGCGTGTGCCCAAAGTTTTGGTGGAAAATGCAAGTATGTTTGATTCAGTTTATTCT-3'
Protein context (NP_060570.2, residues 283-303): DGRDPFPLLM[Asn293Lys]RQRVPKVLVE

ClinVar aggregate classification (germline): Uncertain significance (1 of 4 stars; one submission).

Conditions:
Absence seizure. Also called: Absence epilepsy. Identifiers: Orphanet 1941, MedGen C0014553.
Myoclonic epilepsy, juvenile, susceptibility to, 1. Also called: Myoclonic Epilepsy, Juvenile, 1; EJM1. Identifiers: MedGen C1850778, MONDO:0020752, OMIM 254770.

Submission:

Labcorp Genetics (formerly Invitae), Labcorp
Classification: Uncertain significance for Myoclonic epilepsy, juvenile, susceptibility to, 1; Absence seizure. Last evaluated: 2019-06-07. Review status: criteria provided, single submitter. Criteria: Invitae Variant Classification Sherloc (09022015). Collection method: clinical testing. Allele origin: germline.
Comment: In summary, the available evidence is currently insufficient to determine the role of this variant in disease. Therefore, it has been classified as a Variant of Uncertain Significance. Algorithms developed to predict the effect of sequence changes on RNA splicing suggest that this variant may create or strengthen a splice site, but this prediction has not been confirmed by published transcriptional studies. Algorithms developed to predict the effect of missense changes on protein structure and function output the following: SIFT: "Tolerated"; PolyPhen-2: "Benign"; Align-GVGD: "Class C0". The lysine amino acid residue is found in multiple mammalian species, suggesting that this missense change does not adversely affect protein function. These predictions have not been confirmed by published functional studies and their clinical significance is uncertain. This variant has not been reported in the literature in individuals with EFHC1-related disease. This variant is not present in population databases (ExAC no frequency). This sequence change replaces asparagine with lysine at codon 293 of the EFHC1 protein (p.Asn293Lys). The asparagine residue is moderately conserved and there is a moderate physicochemical difference between asparagine and lysine.